The following is an entry in ClinVar:

ClinVar aggregate classification (germline): Uncertain significance (1 of 4 stars; one submission).

Conditions:
Neurofibromatosis, type 1 (NF1). Also called: Peripheral type neurofibromatosis; VON RECKLINGHAUSEN DISEASE; NEUROFIBROMATOSIS, TYPE I, SOMATIC; Neurofibromatosis, type I. Identifiers: Orphanet 636, MedGen C0027831, MONDO:0018975, OMIM 162200. Disease mechanism: loss of function.

Submission:

Labcorp Genetics (formerly Invitae), Labcorp
Classification: Uncertain significance for Neurofibromatosis, type 1. Last evaluated: 2022-02-18. Review status: criteria provided, single submitter. Criteria: Invitae Variant Classification Sherloc (09022015). Collection method: clinical testing. Allele origin: germline.
Comment: This variant, c.3065_3073dup, results in the insertion of 3 amino acid(s) of the NF1 protein (p.Met1022_Ala1024dup), but otherwise preserves the integrity of the reading frame. This variant is not present in population databases (gnomAD no frequency). This variant has not been reported in the literature in individuals affected with NF1-related conditions. ClinVar contains an entry for this variant (Variation ID: 582013). Experimental studies and prediction algorithms are not available or were not evaluated, and the functional significance of this variant is currently unknown. In summary, the available evidence is currently insufficient to determine the role of this variant in disease. Therefore, it has been classified as a Variant of Uncertain Significance.

NM_001042492.3(NF1):c.3065_3073dup (p.Ala1024_Arg1025insMetMetAla)

Gene: NF1 (neurofibromin 1; plus strand). Cytogenetic location: 17q11.2.
Variant type: Duplication.
Coding change: c.3065_3073dup on transcript NM_001042492.3 (MANE Select); coding-DNA positions 3065 to 3073, 9 bases duplicated (TGATGGCAA; older notation c.3065_3073dupTGATGGCAA).
Protein change: p.Ala1024_Arg1025insMetMetAla.
Molecular consequence: inframe insertion. On other transcripts: inframe indel (1).
Genome position (GRCh38, 1-based): chr17:31,230,334-31,230,342, TGATGGCAA duplicated; duplicating any 9 consecutive bases within chr17:31,230,332-31,230,342 gives the same sequence; the c. name uses the placement nearest the transcript's 3' end. VCF-style (leftmost placement, unchanged base first): chr17-31230331-T-TAATGATGGC. GRCh37 (hg19) VCF-style: chr17-29557349-T-TAATGATGGC.
Other names: c.3065_3073dupTGATGGCAA (NM_000267.3); c.3065_3073dup, p.Ala1024_Arg1025insMetMetAla (NM_000267.4).
Identifiers: ClinVar variation 582013 (VCV000582013.5), dbSNP rs1567849843, ClinGen allele CA891844375.